The following is an entry in ClinVar:

NM_020549.5(CHAT):c.1112-68G>A

Gene: CHAT (choline O-acetyltransferase; plus strand). Cytogenetic location: 10q11.23.
Variant type: single nucleotide variant.
Coding change: c.1112-68G>A on transcript NM_020549.5 (MANE Select); 68 bases into the intron before coding-DNA position 1112, G replaced by A.
Molecular consequence: intron variant.
Genome position (GRCh38, 1-based): chr10:49,646,437, G>A. VCF-style: chr10-49646437-G-A. GRCh37 (hg19) VCF-style: chr10-50854483-G-A.
Other names: c.758-68G>A (NM_020984.4, NM_020985.4, NM_020986.4 and 2 more transcripts); c.866-68G>A (NM_001142933.2).
Identifiers: ClinVar variation 681277 (VCV000681277.2), dbSNP rs2377871, ClinGen allele CA13189976.

ClinVar aggregate classification (germline): Benign. Review status: criteria provided, multiple submitters, no conflicts (2 of 4 stars). 2 submissions from 2 submitters: Benign (2). Last evaluated 2018-06-19.

Allele frequency attached by ClinVar (database versions not stated): gnomAD 0.06956 and 0.06446; TOPMed 0.07276; 1000 Genomes Project 30x 0.11743; 1000 Genomes Project 0.11981; gnomAD exomes 0.05723.
gnomAD v4.1: 93,132 of 1,586,360 alleles (5.9%); highest among the groups gnomAD compares: East Asian, 21%; 4,506 homozygotes.

Submissions (2):

GeneDx
Classification: Benign. Last evaluated: 2018-06-19. Review status: criteria provided, single submitter. Criteria: GeneDx Variant Classification (06012015). Collection method: clinical testing. Allele origin: germline. Affected: yes.
Comment: This variant is considered likely benign or benign based on one or more of the following criteria: it is a conservative change, it occurs at a poorly conserved position in the protein, it is predicted to be benign by multiple in silico algorithms, and/or has population frequency not consistent with disease.

Breakthrough Genomics
Classification: Benign. Review status: criteria provided, single submitter. Criteria: ACMG Guidelines, 2015. Collection method: not provided. Allele origin: germline. Inheritance: Autosomal recessive inheritance. Affected: yes.